The following is an entry in ClinVar:

ClinVar aggregate classification (germline): Uncertain significance (1 of 4 stars; one submission).

gnomAD v4.1: 1 of 1,603,896 alleles (0.000062%); highest among the groups gnomAD compares: African/African-American, 0.0013%; no homozygotes.

Submission:

Labcorp Genetics (formerly Invitae), Labcorp
Classification: Uncertain significance. Last evaluated: 2025-12-21. Review status: criteria provided, single submitter. Criteria: Invitae Variant Classification Sherloc (09022015). Collection method: clinical testing. Allele origin: germline.
Comment: This sequence change replaces aspartic acid, which is acidic and polar, with glutamic acid, which is acidic and polar, at codon 763 of the KCNH1 protein (p.Asp763Glu). This variant is present in population databases (no rsID available, gnomAD 0.01%). This variant has not been reported in the literature in individuals affected with KCNH1-related conditions. Invitae Evidence Modeling of protein sequence and biophysical properties (such as structural, functional, and spatial information, amino acid conservation, physicochemical variation, residue mobility, and thermodynamic stability) indicates that this missense variant is not expected to disrupt KCNH1 protein function with a negative predictive value of 95%. In summary, the available evidence is currently insufficient to determine the role of this variant in disease. Therefore, it has been classified as a Variant of Uncertain Significance.

NM_172362.3(KCNH1):c.2289C>A (p.Asp763Glu)

Gene: KCNH1 (potassium voltage-gated channel subfamily H member 1; minus strand). Cytogenetic location: 1q32.2.
Variant type: single nucleotide variant.
Coding change: c.2289C>A on transcript NM_172362.3 (MANE Select); coding-DNA position 2289, C replaced by A.
Protein change: p.Asp763Glu; replaces aspartic acid 763 with glutamic acid.
Molecular consequence: missense variant.
Genome position (GRCh38, 1-based): chr1:210,683,962, G>T on the plus strand (C>A on the coding strand, the complement: KCNH1 is on the minus strand). VCF-style: chr1-210683962-G-T. GRCh37 (hg19) VCF-style: chr1-210857304-G-T.
Other names: c.2208C>A, p.Asp736Glu (NM_002238.4); short protein forms D736E, D763E.
Identifiers: ClinVar variation 4776434 (VCV004776434.1).